The following is an entry in ClinVar:

ClinVar aggregate classification (germline): Likely pathogenic (1 of 4 stars; one submission).

Conditions:
Autosomal recessive polycystic kidney disease (ARPKD). Also called: AR polycystic kidney disease. Identifiers: Orphanet 731, Orphanet 8378, MedGen C0085548, MeSH D017044, MONDO:0009889.

Submission:

Natera, Inc.
Classification: Likely pathogenic for Autosomal recessive polycystic kidney disease. Last evaluated: 2025-08-06. Review status: criteria provided, single submitter. Criteria: Natera Variant Classification Schema (03/2026). Collection method: clinical testing. Allele origin: germline.
Comment: The c.613C>T variant in PKHD1 is a nonsense variant predicted to introduce a stop codon at amino acid 205. This variant is expected to result in nonsense mediated decay, truncation, or a dysfunctional protein product. This variant is rare in the general population with a frequency below the threshold expected for the associated phenotype(s). Given the available evidence, this variant is classified as Likely Pathogenic.

NM_138694.4(PKHD1):c.613C>T (p.Gln205Ter)

Gene: PKHD1 (PKHD1 ciliary IPT domain containing fibrocystin/polyductin; minus strand). Cytogenetic location: 6p12.2.
Variant type: single nucleotide variant.
Coding change: c.613C>T on transcript NM_138694.4 (MANE Select); coding-DNA position 613, C replaced by T.
Protein change: p.Gln205Ter; replaces glutamine 205 with a stop codon.
Molecular consequence: nonsense.
Genome position (GRCh38, 1-based): chr6:52,071,060, G>A on the plus strand (C>T on the coding strand, the complement: PKHD1 is on the minus strand). VCF-style: chr6-52071060-G-A. GRCh37 (hg19) VCF-style: chr6-51935858-G-A.
Other names: c.613C>T, p.Gln205Ter (NM_170724.3); short protein forms Q205*.
Identifiers: ClinVar variation 4816711 (VCV004816711.1).